The following is an entry in ClinVar:

NM_001291303.3(FAT4):c.8720G>C (p.Gly2907Ala)

Gene: FAT4 (FAT atypical cadherin 4; plus strand). Cytogenetic location: 4q28.1.
Variant type: single nucleotide variant.
Coding change: c.8720G>C on transcript NM_001291303.3 (MANE Select); coding-DNA position 8720, G replaced by C.
Protein change: p.Gly2907Ala; replaces glycine 2907 with alanine.
Molecular consequence: missense variant.
Genome position (GRCh38, 1-based): chr4:125,449,730, G>C. VCF-style: chr4-125449730-G-C. GRCh37 (hg19) VCF-style: chr4-126370885-G-C.
Other names: c.8720G>C, p.Gly2907Ala (NM_001291285.3); c.8714G>C, p.Gly2905Ala (NM_024582.6); short protein forms G2905A, G2907A.
Identifiers: ClinVar variation 1935046 (VCV001935046.5), dbSNP rs373621513, ClinGen allele CA3073414.
Genomic context (GRCh38, chr4:125,449,730, plus strand): 5'-CTGAGATTGGCTCCAAAGTAACTCAGGTATTTGCAACAGATCCTGATGAGGGATCAAATG[G>C]ACAAGTGTTTTATTTCATAAAATCCCAATCAGAATATTTCAGGATTAATGCCACCACTGG-3'
Protein context (NP_001278232.1, residues 2897-2917): FATDPDEGSN[Gly2907Ala]QVFYFIKSQS

ClinVar aggregate classification (germline): Uncertain significance (1 of 4 stars; one submission).

Allele frequency attached by ClinVar (database versions not stated): ExAC 0.00001; TOPMed 0.00001; gnomAD 0.00002; ESP Exome Variant Server 0.00008.
gnomAD v4.1: 4 of 1,613,682 alleles (0.00025%); highest among the groups gnomAD compares: African/African-American, 0.004%; no homozygotes.

Submission:

Labcorp Genetics (formerly Invitae), Labcorp
Classification: Uncertain significance. Last evaluated: 2022-07-01. Review status: criteria provided, single submitter. Criteria: Invitae Variant Classification Sherloc (09022015). Collection method: clinical testing. Allele origin: germline.
Comment: This variant is present in population databases (rs373621513, gnomAD 0.01%). This sequence change replaces glycine, which is neutral and non-polar, with alanine, which is neutral and non-polar, at codon 2905 of the FAT4 protein (p.Gly2905Ala). This variant has not been reported in the literature in individuals affected with FAT4-related conditions. In summary, the available evidence is currently insufficient to determine the role of this variant in disease. Therefore, it has been classified as a Variant of Uncertain Significance. Advanced modeling of protein sequence and biophysical properties (such as structural, functional, and spatial information, amino acid conservation, physicochemical variation, residue mobility, and thermodynamic stability) performed at Invitae indicates that this missense variant is not expected to disrupt FAT4 protein function.